The following is an entry in ClinVar:

ClinVar aggregate classification (germline): Likely pathogenic (1 of 4 stars; one submission).

Conditions:
Sjögren-Larsson syndrome (SLS). Also called: FALDH DEFICIENCY; FATTY ALCOHOL:NAD+ OXIDOREDUCTASE DEFICIENCY; FATTY ALDEHYDE DEHYDROGENASE DEFICIENCY; ICHTHYOSIS, SPASTIC NEUROLOGIC DISORDER, AND OLIGOPHRENIA. Identifiers: Orphanet 816, MedGen C0037231, MONDO:0010031, OMIM 270200.

Submission:

Myriad Genetics, Inc.
Classification: Likely pathogenic for Sjögren-Larsson syndrome. Last evaluated: 2022-04-02. Review status: criteria provided, single submitter. Criteria: Myriad Women's Health Autosomal Recessive and X-Linked Classification Criteria (2021). Collection method: clinical testing. Allele origin: unknown.
Comment: NM_000382.2(ALDH3A2):c.1096delC(H366Ifs*9) is expected to be pathogenic in the context of Sjogren-Larsson syndrome. This variant is predicted to lead to an abnormal or absent protein product due to the creation of a premature termination codon in ALDH3A2, a gene where loss-of-function variants are known to be pathogenic. Please note: this variant was assessed in the context of healthy population screening.

NM_000382.3(ALDH3A2):c.1096del (p.His366fs)

Gene: ALDH3A2 (aldehyde dehydrogenase 3 family member A2; plus strand). Cytogenetic location: 17p11.2.
Variant type: Deletion.
Coding change: c.1096del on transcript NM_000382.3 (MANE Select); coding-DNA position 1096, one base deleted (C; older notation c.1096delC).
Protein change: p.His366fs; shifts the reading frame from histidine 366.
Molecular consequence: frameshift variant.
Genome position (GRCh38, 1-based): chr17:19,663,488, C deleted. VCF-style (leftmost placement, unchanged base first): chr17-19663487-GC-G. GRCh37 (hg19) VCF-style: chr17-19566800-GC-G.
Other names: c.1096del, p.His366fs (NM_001031806.2, NM_001369136.1, NM_001369137.2 and 3 more transcripts); c.517del, p.His173fs (NM_001369148.2); short protein forms H173fs, H366fs.
Identifiers: ClinVar variation 1725828 (VCV001725828.2), dbSNP rs2544389996, ClinGen allele CA2580092700.
Genomic context (GRCh38, chr17:19,663,487, plus strand): 5'-AGATGAGGCCATAAATTTCATAAATGAACGTGAAAAGCCTCTGGCTCTTTATGTATTTTC[GC>G]ATAACCATAAGGTAAGCTTTAGAGAGAACAGCTAGTTAGCATAAGCAACTGTCAAGAGTC-3'